The following is an entry in ClinVar:

NM_000051.4(ATM):c.3590T>C (p.Val1197Ala)

Gene: ATM (ATM serine/threonine kinase; plus strand). Cytogenetic location: 11q22.3.
Variant type: single nucleotide variant.
Coding change: c.3590T>C on transcript NM_000051.4 (MANE Select); coding-DNA position 3590, T replaced by C.
Protein change: p.Val1197Ala; replaces valine 1197 with alanine.
Molecular consequence: missense variant.
Genome position (GRCh38, 1-based): chr11:108,282,723, T>C. VCF-style: chr11-108282723-T-C. GRCh37 (hg19) VCF-style: chr11-108153450-T-C.
Other names: c.3590T>C, p.Val1197Ala (NM_001351834.2); short protein forms V1197A.
Identifiers: ClinVar variation 524339 (VCV000524339.18), dbSNP rs1555092259, ClinGen allele CA382522563.

ClinVar aggregate classification (germline): Uncertain significance. Review status: criteria provided, multiple submitters, no conflicts (2 of 4 stars). 3 submissions from 3 submitters: Uncertain significance (2). 1 of the submissions does not count toward it. Last evaluated 2025-04-15.

Conditions:
Hereditary cancer-predisposing syndrome. Also called: Neoplastic Syndromes, Hereditary; Tumor predisposition; Hereditary Cancer Syndrome; Hereditary neoplastic syndrome. Identifiers: Orphanet 140162, MedGen C0027672, MeSH D009386, MONDO:0015356.
Ataxia-telangiectasia syndrome (AT). Also called: ATAXIA-TELANGIECTASIA, COMPLEMENTATION GROUP A; ATAXIA-TELANGIECTASIA, FRESNO VARIANT; Ataxia-telangiectasia; Ataxia-telangiectasia, complementation group D; AT, COMPLEMENTATION GROUP C; Ataxia-telangiectasia, complementation group E. Identifiers: Orphanet 100, MedGen C0004135, MONDO:0008840, OMIM 208900.

Allele frequency attached by ClinVar (database versions not stated): gnomAD exomes below 0.00001.
gnomAD v4.1: 5 of 1,613,288 alleles (0.00031%); highest among the groups gnomAD compares: Non-Finnish European, 0.00042%; no homozygotes.

Submissions (3):

Ambry Genetics
Classification: Uncertain significance for Hereditary cancer-predisposing syndrome. Last evaluated: 2025-04-15. Review status: criteria provided, single submitter. Criteria: Ambry Variant Classification Scheme 2023. Collection method: clinical testing. Allele origin: germline.
Comment: The p.V1197A variant (also known as c.3590T>C), located in coding exon 24 of the ATM gene, results from a T to C substitution at nucleotide position 3590. The valine at codon 1197 is replaced by alanine, an amino acid with similar properties. This alteration has been reported in a cohort of 488 patients with stages I to III breast cancer who were tested with a 25-gene panel test (Tung N et al. J Clin Oncol, 2016 May;34:1460-8). This amino acid position is well conserved in available vertebrate species. In addition, the in silico prediction for this alteration is inconclusive. Based on the available evidence, the clinical significance of this variant remains unclear.

Labcorp Genetics (formerly Invitae), Labcorp
Classification: Uncertain significance for Ataxia-telangiectasia syndrome. Last evaluated: 2024-05-07. Review status: criteria provided, single submitter. Criteria: Invitae Variant Classification Sherloc (09022015). Collection method: clinical testing. Allele origin: germline.
Comment: This sequence change replaces valine, which is neutral and non-polar, with alanine, which is neutral and non-polar, at codon 1197 of the ATM protein (p.Val1197Ala). This variant is not present in population databases (gnomAD no frequency). This missense change has been observed in individual(s) with breast cancer (PMID: 26976419). ClinVar contains an entry for this variant (Variation ID: 524339). An algorithm developed to predict the effect of missense changes on protein structure and function (PolyPhen-2) suggests that this variant is likely to be tolerated. In summary, the available evidence is currently insufficient to determine the role of this variant in disease. Therefore, it has been classified as a Variant of Uncertain Significance.

Natera, Inc.
Classification: Uncertain significance for Ataxia-telangiectasia. Last evaluated: 2021-01-14. Review status: no assertion criteria provided. Collection method: clinical testing. Allele origin: germline. Not counted in ClinVar's aggregate classification.

Literature cited by the submitters: PubMed 26976419 (cited by Ambry Genetics and Labcorp Genetics (formerly Invitae), Labcorp).